The following is an entry in ClinVar:

NM_001165963.4(SCN1A):c.3719T>C (p.Ile1240Thr)

Genes: SCN1A (sodium voltage-gated channel alpha subunit 1; minus strand), LOC102724058 (uncharacterized LOC102724058; plus strand). Cytogenetic location: 2q24.3.
Variant type: single nucleotide variant.
Coding change: c.3719T>C on transcript NM_001165963.4 (MANE Select); coding-DNA position 3719, T replaced by C.
Protein change: p.Ile1240Thr; replaces isoleucine 1240 with threonine.
Molecular consequence: missense variant. On other transcripts: non-coding transcript variant (1).
Genome position (GRCh38, 1-based): chr2:166,012,269, A>G on the plus strand (T>C on the coding strand, the complement: SCN1A is on the minus strand). VCF-style: chr2-166012269-A-G. GRCh37 (hg19) VCF-style: chr2-166868779-A-G.
Other names: c.3635T>C, p.Ile1212Thr (NM_001165964.3, NM_001353957.2, NM_001353958.2); c.3719T>C, p.Ile1240Thr (NM_001202435.3, NM_001353948.2); c.3686T>C, p.Ile1229Thr (NM_001353949.2, NM_001353950.2, NM_001353951.2 and 2 more transcripts); c.3683T>C, p.Ile1228Thr (NM_001353954.2, NM_001353955.2); c.3632T>C, p.Ile1211Thr (NM_001353960.2); c.1277T>C, p.Ile426Thr (NM_001353961.2); short protein forms I1211T, I1228T, I426T, I1212T, I1229T, I1240T.
Identifiers: ClinVar variation 1041933 (VCV001041933.15), dbSNP rs776629634, ClinGen allele CA1942893.

ClinVar aggregate classification (germline): Uncertain significance. Review status: criteria provided, multiple submitters, no conflicts (2 of 4 stars). 4 submissions from 4 submitters: Uncertain significance (4). Last evaluated 2025-11-25.

Conditions:
Early-infantile DEE. Also called: Ohtahara syndrome; Early infantile epileptic encephalopathy with suppression bursts; Early infantile epileptic encephalopathy. Identifiers: Orphanet 1934, MedGen C0393706, MONDO:0800491.
Inborn genetic diseases. Identifiers: MedGen C0950123, MeSH D030342.

Allele frequency attached by ClinVar (database versions not stated): gnomAD 0.00001; gnomAD exomes 0.00001 and 0.00002; ExAC 0.00002; TOPMed 0.00002.
gnomAD v4.1: 13 of 1,607,156 alleles (0.00081%); highest among the groups gnomAD compares: Admixed American, 0.0017%; no homozygotes.

Submissions (4):

Labcorp Genetics (formerly Invitae), Labcorp
Classification: Uncertain significance for Early-infantile DEE. Last evaluated: 2025-11-25. Review status: criteria provided, single submitter. Criteria: Invitae Variant Classification Sherloc (09022015). Collection method: clinical testing. Allele origin: germline.
Comment: This sequence change replaces isoleucine, which is neutral and non-polar, with threonine, which is neutral and polar, at codon 1240 of the SCN1A protein (p.Ile1240Thr). This variant is present in population databases (rs776629634, gnomAD 0.003%). This variant has not been reported in the literature in individuals affected with SCN1A-related conditions. ClinVar contains an entry for this variant (Variation ID: 1041933). Invitae Evidence Modeling of protein sequence and biophysical properties (such as structural, functional, and spatial information, amino acid conservation, physicochemical variation, residue mobility, and thermodynamic stability) indicates that this missense variant is expected to disrupt SCN1A protein function with a positive predictive value of 95%. In summary, the available evidence is currently insufficient to determine the role of this variant in disease. Therefore, it has been classified as a Variant of Uncertain Significance.

Women's Health and Genetics/Laboratory Corporation of America, LabCorp
Classification: Uncertain significance. Last evaluated: 2024-05-07. Review status: criteria provided, single submitter. Criteria: LabCorp Variant Classification Summary - May 2015. Collection method: clinical testing. Allele origin: germline.
Comment: Variant summary: SCN1A c.3719T>C (p.Ile1240Thr) results in a non-conservative amino acid change located in the Ion transport domain (IPR005821) of the encoded protein sequence. Five of five in-silico tools predict a damaging effect of the variant on protein function. The variant allele was found at a frequency of 1.6e-05 in 247442 control chromosomes. The available data on variant occurrences in the general population are insufficient to allow any conclusion about variant significance. To our knowledge, no occurrence of c.3719T>C in individuals affected with SCN1A-Related Seizure Disorder and no experimental evidence demonstrating its impact on protein function have been reported in the literature. ClinVar contains an entry for this variant (Variation ID: 1041933). Based on the evidence outlined above, the variant was classified as uncertain significance.

GeneDx
Classification: Uncertain significance. Last evaluated: 2023-05-15. Review status: criteria provided, single submitter. Criteria: GeneDx Variant Classification Process June 2021. Collection method: clinical testing. Allele origin: germline. Affected: yes.
Comment: Not observed at significant frequency in large population cohorts (gnomAD); This substitution is predicted to be within the extracellular loop between the S1 and S2 transmembrane segments of the third homologous domain; In silico analysis supports that this missense variant has a deleterious effect on protein structure/function; Missense variants in this gene are often considered pathogenic (HGMD); Has not been previously published as pathogenic or benign to our knowledge; This variant is associated with the following publications: (PMID: 24077912, 27535533)

Ambry Genetics
Classification: Uncertain significance for Inborn genetic diseases. Last evaluated: 2017-06-07. Review status: criteria provided, single submitter. Criteria: Ambry Variant Classification Scheme 2023. Collection method: clinical testing. Allele origin: germline.
Comment: The p.I1240T variant (also known as c.3719T>C), located in coding exon 19 of the SCN1A gene, results from a T to C substitution at nucleotide position 3719. The isoleucine at codon 1240 is replaced by threonine, an amino acid with similar properties. This amino acid position is well conserved in available vertebrate species. In addition, this alteration is predicted to be deleterious by in silico analysis. Since supporting evidence is limited at this time, the clinical significance of this alteration remains unclear.